The following is an entry in ClinVar:

NM_015141.4(GPD1L):c.1001G>A (p.Ser334Asn)

Gene: GPD1L (glycerol-3-phosphate dehydrogenase 1 like; plus strand). Cytogenetic location: 3p22.3.
Variant type: single nucleotide variant.
Coding change: c.1001G>A on transcript NM_015141.4 (MANE Select); coding-DNA position 1001, G replaced by A.
Protein change: p.Ser334Asn; replaces serine 334 with asparagine.
Molecular consequence: missense variant.
Genome position (GRCh38, 1-based): chr3:32,165,855, G>A. VCF-style: chr3-32165855-G-A. GRCh37 (hg19) VCF-style: chr3-32207347-G-A.
Other names: short protein forms S334N.
Identifiers: ClinVar variation 961873 (VCV000961873.6), dbSNP rs1701139581, ClinGen allele CA351970574.

ClinVar aggregate classification (germline): Uncertain significance (1 of 4 stars; one submission).

Conditions:
Brugada syndrome. Also called: Sudden unexpected nocturnal death syndrome; Sudden Unexplained Death Syndrome; Sudden Unexplained Nocturnal Death Syndrome (SUNDS); Sudden unexplained nocturnal death syndrome. Identifiers: Orphanet 130, MedGen C1142166, MONDO:0015263.

Submission:

Labcorp Genetics (formerly Invitae), Labcorp
Classification: Uncertain significance for Brugada syndrome. Last evaluated: 2019-11-08. Review status: criteria provided, single submitter. Criteria: Invitae Variant Classification Sherloc (09022015). Collection method: clinical testing. Allele origin: germline.
Comment: Algorithms developed to predict the effect of missense changes on protein structure and function (SIFT, PolyPhen-2, Align-GVGD) all suggest that this variant is likely to be tolerated, but these predictions have not been confirmed by published functional studies and their clinical significance is uncertain. In summary, the available evidence is currently insufficient to determine the role of this variant in disease. Therefore, it has been classified as a Variant of Uncertain Significance. This variant is not present in population databases (ExAC no frequency). This variant has not been reported in the literature in individuals with GPD1L-related conditions. This sequence change replaces serine with asparagine at codon 334 of the GPD1L protein (p.Ser334Asn). The serine residue is weakly conserved and there is a small physicochemical difference between serine and asparagine.